The following is an entry in ClinVar:

ClinVar aggregate classification (germline): Uncertain significance. Review status: criteria provided, multiple submitters, no conflicts (2 of 4 stars). 2 submissions from 2 submitters: Uncertain significance (2). Last evaluated 2020-09-11.

Conditions:
Neuropathy, hereditary sensory and autonomic, type 2A (HSAN2A). Also called: ACROOSTEOLYSIS, GIACCAI TYPE; ACROOSTEOLYSIS, NEUROGENIC; MORVAN DISEASE; NEUROPATHY, CONGENITAL SENSORY; NEUROPATHY, HEREDITARY SENSORY RADICULAR, AUTOSOMAL RECESSIVE; NEUROPATHY, HEREDITARY SENSORY, TYPE IIA. Identifiers: Orphanet 970, MedGen C2752089, MONDO:0024309, OMIM 201300.
Generalized epilepsy with febrile seizures plus, type 7 (GEFSP7). Also called: GEFS+, TYPE 7. Identifiers: Orphanet 36387, MedGen C2751778, MONDO:0013470, OMIM 613863.

Allele frequency attached by ClinVar (database versions not stated): gnomAD exomes below 0.00001; ExAC 0.00002.
gnomAD v4.1: 4 of 1,581,240 alleles (0.00025%); highest among the groups gnomAD compares: South Asian, 0.0035%; 1 homozygote.

Submissions (2):

Labcorp Genetics (formerly Invitae), Labcorp
Classification: Uncertain significance for Neuropathy, hereditary sensory and autonomic, type 2A; Generalized epilepsy with febrile seizures plus, type 7. Last evaluated: 2020-09-11. Review status: criteria provided, single submitter. Criteria: Invitae Variant Classification Sherloc (09022015). Collection method: clinical testing. Allele origin: germline.
Comment: In summary, the available evidence is currently insufficient to determine the role of this variant in disease. Therefore, it has been classified as a Variant of Uncertain Significance. Algorithms developed to predict the effect of missense changes on protein structure and function are either unavailable or do not agree on the potential impact of this missense change (SIFT: "Tolerated"; PolyPhen-2: "Possibly Damaging"; Align-GVGD: "Class C0"). This variant has not been reported in the literature in individuals with SCN9A-related conditions. ClinVar contains an entry for this variant (Variation ID: 246562). This variant is present in population databases (rs748032198, ExAC 0.01%). This sequence change replaces threonine with isoleucine at codon 144 of the SCN9A protein (p.Thr144Ile). The threonine residue is moderately conserved and there is a moderate physicochemical difference between threonine and isoleucine.

GeneDx
Classification: Uncertain significance. Last evaluated: 2016-04-08. Review status: criteria provided, single submitter. Criteria: GeneDx Variant Classification (06012015). Collection method: clinical testing. Allele origin: germline. Affected: yes.
Comment: The T144I variant in the SCN9A gene has not been reported previously as a pathogenic variant, nor as a benign variant, to our knowledge. The T144I variant was not observed in approximately 6,100 individuals of European and African American ancestry in the NHLBI Exome Sequencing Project, indicating it is not a common benign variant in these populations. The T144I variant is a non-conservative amino acid substitution, which is likely to impact secondary protein structure as these residues differ in polarity, charge, size and/or other properties. This substitution occurs at a position that is conserved across species. In silico analysis is inconsistent in its predictions as to whether or not the variant is damaging to the protein structure/function. We interpret T144I as a variant of uncertain significance.

NM_001365536.1(SCN9A):c.431C>T (p.Thr144Ile)

Gene: SCN9A (sodium voltage-gated channel alpha subunit 9; minus strand). Cytogenetic location: 2q24.3.
Variant type: single nucleotide variant.
Coding change: c.431C>T on transcript NM_001365536.1 (MANE Select); coding-DNA position 431, C replaced by T.
Protein change: p.Thr144Ile; replaces threonine 144 with isoleucine.
Molecular consequence: missense variant.
Genome position (GRCh38, 1-based): chr2:166,306,546, G>A on the plus strand (C>T on the coding strand, the complement: SCN9A is on the minus strand). VCF-style: chr2-166306546-G-A. GRCh37 (hg19) VCF-style: chr2-167163056-G-A.
Other names: c.431C>T, p.Thr144Ile (NM_002977.4); short protein forms T144I.
Identifiers: ClinVar variation 246562 (VCV000246562.11), dbSNP rs748032198, ClinGen allele CA1944795.